The following is an entry in ClinVar:

NM_002742.3(PRKD1):c.591C>T (p.Ser197=)

Gene: PRKD1 (protein kinase D1; minus strand). Cytogenetic location: 14q12.
Variant type: single nucleotide variant.
Coding change: c.591C>T on transcript NM_002742.3 (MANE Select); coding-DNA position 591, C replaced by T.
Protein change: p.Ser197=; no amino-acid change (serine 197 retained).
Molecular consequence: synonymous variant.
Genome position (GRCh38, 1-based): chr14:29,663,804, G>A on the plus strand (C>T on the coding strand, the complement: PRKD1 is on the minus strand). VCF-style: chr14-29663804-G-A. GRCh37 (hg19) VCF-style: chr14-30133010-G-A.
Other names: c.591C>T, p.Ser197= (NM_001330069.2); c.303C>T, p.Ser101= (NM_001348390.1).
Identifiers: ClinVar variation 3042425 (VCV003042425.4), dbSNP rs200522575, ClinGen allele CA7141439.

ClinVar aggregate classification (germline): Likely benign. Review status: criteria provided, single submitter (1 of 4 stars). 2 submissions from 2 submitters: Likely benign (1). 1 of the submissions does not count toward it. Last evaluated 2026-06-01.

Conditions:
PRKD1-related disorder. Also called: PRKD1-related condition.

gnomAD v4.1: 69 of 1,613,840 alleles (0.0043%); highest among the groups gnomAD compares: Admixed American, 0.03%; no homozygotes.

Submissions (2):

CeGaT Center for Human Genetics Tuebingen
Classification: Likely benign. Last evaluated: 2026-06-01. Review status: criteria provided, single submitter. Criteria: CeGaT Center For Human Genetics Tuebingen Variant Classification Criteria Version 2. Collection method: clinical testing. Allele origin: germline. Affected: yes. Observed: 1 variant allele.
Comment: PRKD1: BP4, BP7

PreventionGenetics, part of Exact Sciences
Classification: Likely benign for PRKD1-related condition. Last evaluated: 2019-07-09. Review status: no assertion criteria provided. Collection method: clinical testing. Allele origin: germline. Not counted in ClinVar's aggregate classification.
Comment: This variant is classified as likely benign based on ACMG/AMP sequence variant interpretation guidelines (Richards et al. 2015 PMID: 25741868, with internal and published modifications).